The following is an entry in ClinVar:

ClinVar aggregate classification (germline): Uncertain significance (1 of 4 stars; one submission).

Submission:

Labcorp Genetics (formerly Invitae), Labcorp
Classification: Uncertain significance. Last evaluated: 2024-02-17. Review status: criteria provided, single submitter. Criteria: Invitae Variant Classification Sherloc (09022015). Collection method: clinical testing. Allele origin: germline.
Comment: This sequence change falls in intron 35 of the MTOR gene. It does not directly change the encoded amino acid sequence of the MTOR protein. It affects a nucleotide within the consensus splice site. This variant is not present in population databases (gnomAD no frequency). This variant has not been reported in the literature in individuals affected with MTOR-related conditions. ClinVar contains an entry for this variant (Variation ID: 1059632). Variants that disrupt the consensus splice site are a relatively common cause of aberrant splicing (PMID: 17576681, 9536098). In summary, the available evidence is currently insufficient to determine the role of this variant in disease. Therefore, it has been classified as a Variant of Uncertain Significance.

Literature cited by the submitters: PubMed 17576681; PubMed 9536098.

NM_004958.4(MTOR):c.4999-17_4999-1del

Gene: MTOR (mechanistic target of rapamycin kinase; minus strand). Cytogenetic location: 1p36.22.
Variant type: Deletion.
Coding change: c.4999-17_4999-1del on transcript NM_004958.4 (MANE Select); 17 bases into the intron before coding-DNA position 4999 through the canonical splice acceptor site of the intron before coding-DNA position 4999, 17 bases deleted (TTTCTCTTATTTTTAAG).
Molecular consequence: splice acceptor variant.
Genome position (GRCh38, 1-based): chr1:11,139,436-11,139,452, CTTAAAAATAAGAGAAA deleted on the plus strand (TTTCTCTTATTTTTAAG on the coding strand, the reverse complement: MTOR is on the minus strand); deleting any 17 consecutive bases within chr1:11,139,436-11,139,454 gives the same sequence; the c. name uses the placement nearest the transcript's 3' end. VCF-style (leftmost placement, unchanged base first): chr1-11139435-CCTTAAAAATAAGAGAAA-C. GRCh37 (hg19) VCF-style: chr1-11199492-CCTTAAAAATAAGAGAAA-C.
Other names: c.3751-17_3751-1del (NM_001386501.1); c.4999-17_4999-1del (NM_001386500.1).
Identifiers: ClinVar variation 1059632 (VCV001059632.7), dbSNP rs2100477724, ClinGen allele CA2499214106.